The following is an entry in ClinVar:

NM_000223.4(KRT12):c.742G>A (p.Asp248Asn)

Gene: KRT12 (keratin 12; minus strand). Cytogenetic location: 17q21.2.
Variant type: single nucleotide variant.
Coding change: c.742G>A on transcript NM_000223.4 (MANE Select); coding-DNA position 742, G replaced by A.
Protein change: p.Asp248Asn; replaces aspartic acid 248 with asparagine.
Molecular consequence: missense variant.
Genome position (GRCh38, 1-based): chr17:40,864,871, C>T on the plus strand (G>A on the coding strand, the complement: KRT12 is on the minus strand). VCF-style: chr17-40864871-C-T. GRCh37 (hg19) VCF-style: chr17-39021123-C-T.
Other names: short protein forms D248N.
Identifiers: ClinVar variation 2076233 (VCV002076233.4), dbSNP rs150674571, ClinGen allele CA8548793.

ClinVar aggregate classification (germline): Uncertain significance (1 of 4 stars; one submission).

Allele frequency attached by ClinVar (database versions not stated): ESP Exome Variant Server 0.00023; TOPMed 0.00020; gnomAD exomes 0.00002; ExAC 0.00010; gnomAD 0.00019; 1000 Genomes Project 0.00060; 1000 Genomes Project 30x 0.00078.
gnomAD v4.1: 65 of 1,614,222 alleles (0.004%); highest among the groups gnomAD compares: African/African-American, 0.041%; no homozygotes.

Submission:

Labcorp Genetics (formerly Invitae), Labcorp
Classification: Uncertain significance. Last evaluated: 2024-04-30. Review status: criteria provided, single submitter. Criteria: Invitae Variant Classification Sherloc (09022015). Collection method: clinical testing. Allele origin: germline.
Comment: This sequence change replaces aspartic acid, which is acidic and polar, with asparagine, which is neutral and polar, at codon 248 of the KRT12 protein (p.Asp248Asn). This variant is present in population databases (rs150674571, gnomAD 0.06%), and has an allele count higher than expected for a pathogenic variant. This variant has not been reported in the literature in individuals affected with KRT12-related conditions. ClinVar contains an entry for this variant (Variation ID: 2076233). Advanced modeling of protein sequence and biophysical properties (such as structural, functional, and spatial information, amino acid conservation, physicochemical variation, residue mobility, and thermodynamic stability) performed at Invitae indicates that this missense variant is not expected to disrupt KRT12 protein function with a negative predictive value of 80%. In summary, the available evidence is currently insufficient to determine the role of this variant in disease. Therefore, it has been classified as a Variant of Uncertain Significance.